The following is an entry in ClinVar:

ClinVar aggregate classification (germline): Uncertain significance (1 of 4 stars; one submission).

Conditions:
Idiopathic generalized epilepsy. Also called: Generalised epilepsy; EIG. Identifiers: MedGen C0270850, MONDO:0005579, OMIM 600669.
Hyperaldosteronism, familial, type IV (HALD4). Also called: FH IV; ALDOSTERONISM, PRIMARY, AND HYPERTENSION. Identifiers: Orphanet 642671, MedGen C4310756, MONDO:0014875, OMIM 617027.

Allele frequency attached by ClinVar (database versions not stated): TOPMed below 0.00001.

Submission:

Labcorp Genetics (formerly Invitae), Labcorp
Classification: Uncertain significance for Idiopathic generalized epilepsy; Hyperaldosteronism, familial, type IV. Last evaluated: 2023-11-03. Review status: criteria provided, single submitter. Criteria: Invitae Variant Classification Sherloc (09022015). Collection method: clinical testing. Allele origin: germline.
Comment: This sequence change replaces glycine, which is neutral and non-polar, with valine, which is neutral and non-polar, at codon 231 of the CACNA1H protein (p.Gly231Val). This variant is not present in population databases (gnomAD no frequency). This variant has not been reported in the literature in individuals affected with CACNA1H-related conditions. ClinVar contains an entry for this variant (Variation ID: 2179002). Advanced modeling of protein sequence and biophysical properties (such as structural, functional, and spatial information, amino acid conservation, physicochemical variation, residue mobility, and thermodynamic stability) performed at Invitae indicates that this missense variant is expected to disrupt CACNA1H protein function with a positive predictive value of 80%. In summary, the available evidence is currently insufficient to determine the role of this variant in disease. Therefore, it has been classified as a Variant of Uncertain Significance.

NM_021098.3(CACNA1H):c.692G>T (p.Gly231Val)

Gene: CACNA1H (calcium voltage-gated channel subunit alpha1 H; plus strand). Cytogenetic location: 16p13.3.
Variant type: single nucleotide variant.
Coding change: c.692G>T on transcript NM_021098.3 (MANE Select); coding-DNA position 692, G replaced by T.
Protein change: p.Gly231Val; replaces glycine 231 with valine.
Molecular consequence: missense variant.
Genome position (GRCh38, 1-based): chr16:1,198,663, G>T. VCF-style: chr16-1198663-G-T. GRCh37 (hg19) VCF-style: chr16-1248663-G-T.
Other names: c.692G>T, p.Gly231Val (NM_001005407.2); short protein forms G231V.
Identifiers: ClinVar variation 2179002 (VCV002179002.4), dbSNP rs1423171525, ClinGen allele CA394154904.
Genomic context (GRCh38, chr16:1,198,663, plus strand): 5'-TGCTGCCCACAGGCATGCGGATCCTGGTCACTCTGCTGCTGGATACGCTGCCCATGCTCG[G>T]GAACGTCCTTCTGCTGTGCTTCTTCGTCTTCTTCATTTTCGGCATCGTTGGCGTCCAGCT-3'
Protein context (NP_066921.2, residues 221-241): TLLLDTLPML[Gly231Val]NVLLLCFFVF